The following is an entry in ClinVar:

NM_000336.2:c.-7632_-9+6393del

Gene: SCNN1B (sodium channel epithelial 1 subunit beta; plus strand).
Variant type: Deletion.
Identifiers: ClinVar variation 1098673 (VCV001098673.1).

ClinVar aggregate classification (germline): Uncertain significance (1 of 4 stars; one submission).

Conditions:
Pseudohypoaldosteronism, type IB1, autosomal recessive. Also called: PHA I, AUTOSOMAL RECESSIVE; Pseudohypoaldosteronism, Type I, Recessive; Autosomal recessive pseudohypoaldosteronism type 1; Pseudohypoaldosteronism, Type I, Autosomal Recessive. Identifiers: Orphanet 171876, Orphanet 756, MedGen C5774176, MONDO:0009917, OMIM 264350.

Submission:

New York Genome Center
Classification: Uncertain significance for Pseudohypoaldosteronism, type IB1, autosomal recessive. Last evaluated: 2020-06-24. Review status: criteria provided, single submitter. Criteria: NYGC Assertion Criteria 2020. Collection method: clinical testing. Allele origin: inherited. Observed: 1 homozygote. Study: CSER-NYCKidSeq.
Comment: The homozygous variant c.-7632_-9+6393del encompasses exon 1 of the SCNN1B gene. Exon 1 of the SCNN1B gene is a part of the 5â€™-untranslated region, and the homozygous deletion of exon 1 has been reported in one individual with pseudohypoaldosteronism type 1 [PMID: 12204893]. A functional study suggests a homozygous deletion of the upstream regulatory region of SCNN1B gene leads to near-total absence of the gene expression [PMID: 12204893]. This variant is not reported in public databases indicating this is a rare allele. Based on the available evidence, the variant c.-7632_-9+6393del in the SCNN1B gene is classified as Variant of Uncertain Significance.